The following is an entry in ClinVar:

ClinVar aggregate classification (germline): Pathogenic (1 of 4 stars; one submission).

Conditions:
Heterotopia, periventricular, X-linked dominant (PVNH1). Also called: PERIVENTRICULAR NODULAR HETEROTOPIA 4; HETEROTOPIA, PERIVENTRICULAR, 1; PERIVENTRICULAR NODULAR HETEROTOPIA 1; X-linked periventricular heterotopia. Identifiers: Orphanet 2149, Orphanet 82004, MedGen C1848213, MONDO:0010233, OMIM 300049.
Melnick-Needles syndrome (MNS). Also called: MELNICK-NEEDLES OSTEODYSPLASTY; OSTEODYSPLASTY OF MELNICK AND NEEDLES; Melnick-Needles Syndrome (FLNA-MNS). Identifiers: Orphanet 2484, MedGen C0025237, MONDO:0010650, OMIM 309350.
Frontometaphyseal dysplasia (FMD1). Identifiers: Orphanet 1826, MedGen C0265293, MONDO:0015942.
Oto-palato-digital syndrome, type II (OPD2). Also called: FACIOPALATOOSSEOUS SYNDROME; OPD II SYNDROME; Otopalatodigital Syndrome, Type II; Otopalatodigital Syndrome Type 2 (FLNA-OPD2). Identifiers: Orphanet 669, Orphanet 90652, MedGen C1844696, MONDO:0010571, OMIM 304120.

Submission:

Labcorp Genetics (formerly Invitae), Labcorp
Classification: Pathogenic for Oto-palato-digital syndrome, type II; Heterotopia, periventricular, X-linked dominant; Frontometaphyseal dysplasia; Melnick-Needles syndrome. Last evaluated: 2021-02-09. Review status: criteria provided, single submitter. Criteria: Invitae Variant Classification Sherloc (09022015). Collection method: clinical testing. Allele origin: germline.
Comment: For these reasons, this variant has been classified as Pathogenic. This variant has not been reported in the literature in individuals with FLNA-related conditions. This variant is not present in population databases (ExAC no frequency). This sequence change creates a premature translational stop signal (p.Tyr2098*) in the FLNA gene. It is expected to result in an absent or disrupted protein product. Loss-of-function variants in FLNA are known to be pathogenic (PMID: 16684786, 20730588, 26471271).

Literature cited by the submitters: PubMed 16684786; PubMed 20730588; PubMed 26471271.

NM_001110556.2(FLNA):c.6318C>G (p.Tyr2106Ter)

Gene: FLNA (filamin A; minus strand). Cytogenetic location: Xq28.
Variant type: single nucleotide variant.
Coding change: c.6318C>G on transcript NM_001110556.2 (MANE Select); coding-DNA position 6318, C replaced by G.
Protein change: p.Tyr2106Ter; replaces tyrosine 2106 with a stop codon.
Molecular consequence: nonsense.
Genome position (GRCh38, 1-based): chrX:154,352,833, G>C on the plus strand (C>G on the coding strand, the complement: FLNA is on the minus strand). VCF-style: chrX-154352833-G-C. GRCh37 (hg19) VCF-style: chrX-153581201-G-C.
Other names: c.6294C>G, p.Tyr2098Ter (NM_001456.4); short protein forms Y2106*, Y2098*.
Identifiers: ClinVar variation 1383677 (VCV001383677.6), dbSNP rs2148104651, ClinGen allele CA415193623.